The following is an entry in ClinVar:

NM_002691.4(POLD1):c.941_942delinsAT (p.Ser314Asn)

Gene: POLD1 (DNA polymerase delta 1, catalytic subunit; plus strand). Cytogenetic location: 19q13.33.
Variant type: Indel.
Coding change: c.941_942delinsAT on transcript NM_002691.4 (MANE Select); coding-DNA positions 941 to 942, GC replaced by AT.
Protein change: p.Ser314Asn; replaces serine 314 with asparagine.
Molecular consequence: missense variant. On other transcripts: non-coding transcript variant (1).
Genome position (GRCh38, 1-based): chr19:50,402,712-50,402,713, GC replaced by AT. VCF-style: chr19-50402712-GC-AT. GRCh37 (hg19) VCF-style: chr19-50905969-GC-AT.
Other names: c.941_942delinsAT, p.Ser314Asn (NM_001256849.1, NM_001308632.1, NM_001438210.1 and 3 more transcripts); short protein forms S314N.
Identifiers: ClinVar variation 4141017 (VCV004141017.1).

ClinVar aggregate classification (germline): Uncertain significance (1 of 4 stars; one submission).

Conditions:
Hereditary cancer-predisposing syndrome. Also called: Hereditary neoplastic syndrome; Neoplastic Syndromes, Hereditary; Tumor predisposition; Hereditary Cancer Syndrome. Identifiers: Orphanet 140162, MedGen C0027672, MeSH D009386, MONDO:0015356.

Submission:

Ambry Genetics
Classification: Uncertain significance for Hereditary cancer-predisposing syndrome. Last evaluated: 2025-08-08. Review status: criteria provided, single submitter. Criteria: Ambry Variant Classification Scheme 2023. Collection method: clinical testing. Allele origin: germline.
Comment: The c.941_942delGCinsAT variant (also known as p.S314N), located in coding exon 7 of the POLD1 gene, results from an in-frame deletion of GC and insertion of AT at nucleotide positions 941 to 942. This results in the substitution of the serine residue for an asparagine residue at codon 314, an amino acid with highly similar properties. This amino acid position is well conserved in available vertebrate species. In addition, the in silico prediction for this variant is inconclusive (Choi Y et al. PLoS ONE. 2012; 7(10):e46688). Based on the available evidence, the clinical significance of this variant remains unclear.